The following is an entry in ClinVar:

ClinVar aggregate classification (germline): Uncertain significance. Review status: criteria provided, multiple submitters, no conflicts (2 of 4 stars). 3 submissions from 3 submitters: Uncertain significance (2). 1 of the submissions does not count toward it. Last evaluated 2025-09-25.

Conditions:
EHHADH-related disorder. Also called: EHHADH-related condition.

Allele frequency attached by ClinVar (database versions not stated): ExAC 0.00004; gnomAD exomes 0.00005 and 0.00006; gnomAD 0.00011; TOPMed 0.00016.
gnomAD v4.1: 107 of 1,608,846 alleles (0.0067%); highest among the groups gnomAD compares: Admixed American, 0.025%; no homozygotes.

Submissions (3):

Mayo Clinic Laboratories, Mayo Clinic
Classification: Uncertain significance. Last evaluated: 2025-09-25. Review status: criteria provided, single submitter. Criteria: ACMG Guidelines, 2015. Collection method: clinical testing. Allele origin: germline. Observed: 1 variant allele.
Comment: BP4_moderate

Eurofins Ntd Llc (ga)
Classification: Uncertain significance. Last evaluated: 2018-01-11. Review status: criteria provided, single submitter. Criteria: EGL Classification Definitions 2015. Collection method: clinical testing. Allele origin: germline. Observed: 1 variant allele, 1 heterozygote.

PreventionGenetics, part of Exact Sciences
Classification: Uncertain significance for EHHADH-related condition. Last evaluated: 2024-08-30. Review status: no assertion criteria provided. Collection method: clinical testing. Allele origin: germline. Not counted in ClinVar's aggregate classification.
Comment: The EHHADH c.190C>T variant is predicted to result in the amino acid substitution p.Arg64Cys. To our knowledge, this variant has not been reported in the literature. This variant is reported in 0.020% of alleles in individuals of Latino descent in gnomAD. At this time, the clinical significance of this variant is uncertain due to the absence of conclusive functional and genetic evidence.

NM_001966.4(EHHADH):c.190C>T (p.Arg64Cys)

Gene: EHHADH (enoyl-CoA hydratase and 3-hydroxyacyl CoA dehydrogenase; minus strand). Cytogenetic location: 3q27.2.
Variant type: single nucleotide variant.
Coding change: c.190C>T on transcript NM_001966.4 (MANE Select); coding-DNA position 190, C replaced by T.
Protein change: p.Arg64Cys; replaces arginine 64 with cysteine.
Molecular consequence: missense variant. On other transcripts: 5 prime UTR variant (1).
Genome position (GRCh38, 1-based): chr3:185,235,451, G>A on the plus strand (C>T on the coding strand, the complement: EHHADH is on the minus strand). VCF-style: chr3-185235451-G-A. GRCh37 (hg19) VCF-style: chr3-184953239-G-A.
Other names: p.Arg64Cys; c.190C>T (NM_001966.3); c.-99C>T (NM_001166415.2); short protein forms R64C.
Identifiers: ClinVar variation 595725 (VCV000595725.8), dbSNP rs776874092, ClinGen allele CA2739285.